The following is an entry in ClinVar:

ClinVar aggregate classification (germline): Uncertain significance (1 of 4 stars; one submission).

Conditions:
CNTNAP4-related disorder. Also called: CNTNAP4-related condition.

Submission:

PreventionGenetics, part of Exact Sciences
Classification: Uncertain significance for CNTNAP4-related condition. Last evaluated: 2024-12-22. Review status: criteria provided, single submitter. Criteria: ACMG Guidelines, 2015. Collection method: clinical testing. Allele origin: germline.
Comment: The CNTNAP4 c.2095G>C variant is predicted to result in the amino acid substitution p.Gly699Arg. To our knowledge, this variant has not been reported in the literature or in a large population database (gnomAD), indicating this variant is rare. At this time, the clinical significance of this variant is uncertain due to the absence of conclusive functional and genetic evidence.

NM_033401.5(CNTNAP4):c.2482G>C (p.Gly828Arg)

Gene: CNTNAP4 (contactin associated protein family member 4; plus strand). Cytogenetic location: 16q23.1.
Variant type: single nucleotide variant.
Coding change: c.2482G>C on transcript NM_033401.5 (MANE Select); coding-DNA position 2482, G replaced by C.
Protein change: p.Gly828Arg; replaces glycine 828 with arginine.
Molecular consequence: missense variant. On other transcripts: non-coding transcript variant (3).
Genome position (GRCh38, 1-based): chr16:76,521,256, G>C. VCF-style: chr16-76521256-G-C. GRCh37 (hg19) VCF-style: chr16-76555153-G-C.
Other names: c.2332G>C, p.Gly778Arg (NM_001322178.2); c.2482G>C, p.Gly828Arg (NM_001322179.2, NM_001322188.2); c.2095G>C, p.Gly699Arg (NM_001322180.2); c.2479G>C, p.Gly827Arg (NM_001322181.2); c.1066G>C, p.Gly356Arg (NM_001322187.2); c.2218G>C, p.Gly740Arg (NM_001322189.2); c.2338G>C, p.Gly780Arg (NM_001322190.2); c.1555G>C, p.Gly519Arg (NM_001322191.2); and 1 more; short protein forms G356R, G778R, G780R, G699R, G755R, G519R, G740R, G827R.
Identifiers: ClinVar variation 4999790 (VCV004999790.1).